The following is an entry in ClinVar:

NM_001042750.2(STAG2):c.2360C>G (p.Ala787Gly)

Gene: STAG2 (STAG2 cohesin complex component; plus strand). Cytogenetic location: Xq25.
Variant type: single nucleotide variant.
Coding change: c.2360C>G on transcript NM_001042750.2 (MANE Select); coding-DNA position 2360, C replaced by G.
Protein change: p.Ala787Gly; replaces alanine 787 with glycine.
Molecular consequence: missense variant.
Genome position (GRCh38, 1-based): chrX:124,071,150, C>G. VCF-style: chrX-124071150-C-G. GRCh37 (hg19) VCF-style: chrX-123205000-C-G.
Other names: c.2360C>G (NM_001042749.1); c.2360C>G, p.Ala787Gly (NM_001042749.2, NM_001042751.2, NM_001282418.2 and 13 more transcripts); short protein forms A787G.
Identifiers: ClinVar variation 3236628 (VCV003236628.4), dbSNP rs2148372669, ClinGen allele CA414275957.

ClinVar aggregate classification (germline): Uncertain significance. Review status: criteria provided, multiple submitters, no conflicts (2 of 4 stars). 3 submissions from 3 submitters: Uncertain significance (3). Last evaluated 2025-10-18.

Conditions:
Inborn genetic diseases. Identifiers: MedGen C0950123, MeSH D030342.
Mullegama-Klein-Martinez syndrome. Also called: NEURODEVELOPMENTAL DISORDER, X-LINKED, WITH CRANIOFACIAL ABNORMALITIES. Identifiers: MedGen C5193008, MONDO:0026722, OMIM 301022.

gnomAD v4.1: 5 of 1,115,634 alleles (0.00045%); highest among the groups gnomAD compares: Non-Finnish European, 0.00059%; no homozygotes.

Submissions (3):

Ambry Genetics
Classification: Uncertain significance for Inborn genetic diseases. Last evaluated: 2025-10-18. Review status: criteria provided, single submitter. Criteria: Ambry Variant Classification Scheme 2023. Collection method: clinical testing. Allele origin: germline.

Labcorp Genetics (formerly Invitae), Labcorp
Classification: Uncertain significance. Last evaluated: 2025-05-22. Review status: criteria provided, single submitter. Criteria: Invitae Variant Classification Sherloc (09022015). Collection method: clinical testing. Allele origin: germline.
Comment: This sequence change replaces alanine, which is neutral and non-polar, with glycine, which is neutral and non-polar, at codon 787 of the STAG2 protein (p.Ala787Gly). This variant is not present in population databases (gnomAD no frequency). This variant has not been reported in the literature in individuals affected with STAG2-related conditions. ClinVar contains an entry for this variant (Variation ID: 3236628). An algorithm developed to predict the effect of missense changes on protein structure and function (PolyPhen-2) suggests that this variant is likely to be disruptive. In summary, the available evidence is currently insufficient to determine the role of this variant in disease. Therefore, it has been classified as a Variant of Uncertain Significance.

Clinical Genomics Laboratory, Washington University in St. Louis
Classification: Uncertain significance for Mullegama-Klein-Martinez syndrome. Last evaluated: 2024-04-12. Review status: criteria provided, single submitter. Criteria: ACMG Guidelines, 2015. Collection method: clinical testing. Allele origin: germline.
Comment: The STAG2 c.2360C>G (p.Ala787Gly) variant, to our knowledge, has not been reported in the medical literature and is absent from the general population (gnomAD v.2.1.1), indicating it is not a common variant. Computational predictors suggest that the variant does not impact STAG2 function. However, this variant occurs in the second nucleotide of exon 25 and while SpliceAI does not predict an alteration of splicing, ESEFinder indicates this variant may result in a loss of a binding site for a splicing factor, SC35. Due to limited information, and based on ACMG/AMP guidelines for variant interpretation (Richards S et al., PMID: 25741868), the clinical significance of this variant is uncertain at this time.